The following is an entry in ClinVar:

ClinVar aggregate classification (germline): Pathogenic. Review status: criteria provided, multiple submitters, no conflicts (2 of 4 stars). 2 submissions from 2 submitters: Pathogenic (2). Last evaluated 2024-09-04.

Conditions:
Multiple endocrine neoplasia, type 1 (MEN1). Also called: MEN I; WERMER SYNDROME; Endocrine adenomatosis multiple; MEN 1; MEA I. Identifiers: Orphanet 652, MedGen C0025267, MeSH D018761, MONDO:0007540, OMIM 131100.
Hereditary cancer-predisposing syndrome. Also called: Neoplastic Syndromes, Hereditary; Hereditary neoplastic syndrome; Hereditary Cancer Syndrome; Tumor predisposition. Identifiers: Orphanet 140162, MedGen C0027672, MeSH D009386, MONDO:0015356.

Submissions (2):

Ambry Genetics
Classification: Pathogenic for Hereditary cancer-predisposing syndrome. Last evaluated: 2024-09-04. Review status: criteria provided, single submitter. Criteria: Ambry Variant Classification Scheme 2023. Collection method: clinical testing. Allele origin: germline.
Comment: The p.W471* pathogenic mutation (also known as c.1413G>A), located in coding exon 9 of the MEN1 gene, results from a G to A substitution at nucleotide position 1413. This changes the amino acid from a tryptophan to a stop codon within coding exon 9. This mutation was observed in 11 affected members from a large MEN1 family of 36 individuals, as well as in another unrelated individual (Vald&eacute;s N et al Clin. Endocrinol. 1999 Mar;50(3):309-13; Mutch MG et al Hum. Mutat. 1999;13(3):175-85). This variant is considered to be rare based on population cohorts in the Genome Aggregation Database (gnomAD). In addition to the information presented in the literature, this alteration is expected to result in loss of function by premature protein truncation. As such, this alteration is interpreted as a disease-causing mutation.

Labcorp Genetics (formerly Invitae), Labcorp
Classification: Pathogenic for Multiple endocrine neoplasia, type 1. Last evaluated: 2023-10-05. Review status: criteria provided, single submitter. Criteria: Invitae Variant Classification Sherloc (09022015). Collection method: clinical testing. Allele origin: germline.
Comment: This sequence change creates a premature translational stop signal (p.Trp471*) in the MEN1 gene. While this is not anticipated to result in nonsense mediated decay, it is expected to disrupt the last 140 amino acid(s) of the MEN1 protein. This variant is not present in population databases (gnomAD no frequency). This premature translational stop signal has been observed in individual(s) with clinical features of MEN1 (PMID: 10090472, 10435055). It has also been observed to segregate with disease in related individuals. ClinVar contains an entry for this variant (Variation ID: 943203). For these reasons, this variant has been classified as Pathogenic.

Literature cited by the submitters: PubMed 10090472 (cited by Ambry Genetics and Labcorp Genetics (formerly Invitae), Labcorp); PubMed 10435055 (cited by Ambry Genetics and Labcorp Genetics (formerly Invitae), Labcorp).

NM_001370259.2(MEN1):c.1413G>A (p.Trp471Ter)

Gene: MEN1 (menin 1; minus strand). Cytogenetic location: 11q13.1.
Variant type: single nucleotide variant.
Coding change: c.1413G>A on transcript NM_001370259.2 (MANE Select); coding-DNA position 1413, G replaced by A.
Protein change: p.Trp471Ter; replaces tryptophan 471 with a stop codon.
Molecular consequence: nonsense.
Genome position (GRCh38, 1-based): chr11:64,804,754, C>T on the plus strand (G>A on the coding strand, the complement: MEN1 is on the minus strand). VCF-style: chr11-64804754-C-T. GRCh37 (hg19) VCF-style: chr11-64572226-C-T.
Other names: c.1428G>A, p.Trp476Ter (NM_130802.3, NM_130803.3, NM_130804.3 and 3 more transcripts); c.1539G>A, p.Trp513Ter (NM_001370251.2); c.1413G>A, p.Trp471Ter (NM_001370260.2, NM_001370261.2, NM_130799.3); c.1308G>A, p.Trp436Ter (NM_001370262.2, NM_001370263.2); short protein forms W471*, W436*, W476*, W513*.
Identifiers: ClinVar variation 943203 (VCV000943203.13), dbSNP rs1941556077, ClinGen allele CA381179518.
Genomic context (GRCh38, chr11:64,804,754, plus strand): 5'-CTCCTCTGGCTTGGACTCCCGCCGTGGGCCCCGCCGCCGGCCTTCCCGGGCTTCCTCGCC[C>T]CACGGCTCCTCGGCCTCGGCCGCCTCGGCCTCTCGGCTCACTATGCGCACCTTCTGCCGC-3'